The following is an entry in ClinVar:

NM_145698.5(ACBD5):c.1427T>C (p.Leu476Ser)

Gene: ACBD5 (acyl-CoA binding domain containing 5; minus strand). Cytogenetic location: 10p12.1.
Variant type: single nucleotide variant.
Coding change: c.1427T>C on transcript NM_145698.5 (MANE Select); coding-DNA position 1427, T replaced by C.
Protein change: p.Leu476Ser; replaces leucine 476 with serine.
Molecular consequence: missense variant.
Genome position (GRCh38, 1-based): chr10:27,205,226, A>G on the plus strand (T>C on the coding strand, the complement: ACBD5 is on the minus strand). VCF-style: chr10-27205226-A-G. GRCh37 (hg19) VCF-style: chr10-27494155-A-G.
Other names: c.1454T>C, p.Leu485Ser (NM_001352571.1); c.1448T>C, p.Leu483Ser (NM_001352572.1); c.1406T>C, p.Leu469Ser (NM_001352573.1); c.1355T>C, p.Leu452Ser (NM_001352574.2, NM_001352575.2, NM_001352576.2); c.1322T>C, p.Leu441Ser (NM_001352577.2, NM_001352578.2, NM_001352579.2 and 1 more transcripts); c.1268T>C, p.Leu423Ser (NM_001352580.2); c.1421T>C, p.Leu474Ser (NM_001271512.3); c.1100T>C, p.Leu367Ser (NM_001301251.2, NM_001301252.2, NM_001301253.2 and 2 more transcripts); and 10 more; short protein forms L378S, L406S, L419S, L476S, L299S, L373S, L408S, L417S.
Identifiers: ClinVar variation 856496 (VCV000856496.8), dbSNP rs1429846088, ClinGen allele CA376372945.
Genomic context (GRCh38, chr10:27,205,226, plus strand): 5'-CTGGCATTTAAATTTTTTAAAAAATGTCTTACCTGTGAGGTGGGCTGAGGAGCAGTCTGC[A>G]ATGTTGATGTTGATGATTTTGCCTGTAAATGCAAATGAAGGTGACTTAGCCTTGAAAAAA-3'
Protein context (NP_663736.2, residues 466-486): ALQAKSSTST[Leu476Ser]QTAPQPTSQR

ClinVar aggregate classification (germline): Uncertain significance (1 of 4 stars; one submission).

Conditions:
Retinal dystrophy with leukodystrophy. Identifiers: MedGen C5394315, MONDO:0030026, OMIM 618863.

Allele frequency attached by ClinVar (database versions not stated): gnomAD exomes 0.00001 and below 0.00001.
gnomAD v4.1: 6 of 1,613,394 alleles (0.00037%); highest among the groups gnomAD compares: African/African-American, 0.0013%; no homozygotes.

Submission:

Labcorp Genetics (formerly Invitae), Labcorp
Classification: Uncertain significance. Last evaluated: 2021-08-30. Review status: criteria provided, single submitter. Criteria: Invitae Variant Classification Sherloc (09022015). Collection method: clinical testing. Allele origin: germline.
Comment: This sequence change replaces leucine with serine at codon 476 of the ACBD5 protein (p.Leu476Ser). The leucine residue is weakly conserved and there is a large physicochemical difference between leucine and serine. This variant is not present in population databases (ExAC no frequency). This variant has not been reported in the literature in individuals affected with ACBD5-related conditions. Algorithms developed to predict the effect of missense changes on protein structure and function are either unavailable or do not agree on the potential impact of this missense change (SIFT: "Tolerated"; PolyPhen-2: "Possibly Damaging"; Align-GVGD: "Class C0"). In summary, the available evidence is currently insufficient to determine the role of this variant in disease. Therefore, it has been classified as a Variant of Uncertain Significance.